The following is an entry in ClinVar:

ClinVar aggregate classification (germline): Likely benign. Review status: reviewed by expert panel (3 of 4 stars). 2 submissions from 2 submitters: Likely benign (1). 1 of the submissions does not count toward it. Last evaluated 2024-09-05.

Conditions:
Hereditary thrombocytopenia and hematological cancer predisposition syndrome associated with RUNX1. Also called: PLATELET DISORDER, ASPIRIN-LIKE; Familial Platelet Disorder with Propensity to Acute Myelogenous Leukemia; Familial thrombocytopenia with propensity to acute myelogenous leukemia; RUNX1 Familial Platelet Disorder with Associated Myeloid Malignancies. Identifiers: Orphanet 71290, MedGen C1832388, MeSH C563324, MONDO:0100083, OMIM 601399.
Hereditary thrombocytopenia and hematologic cancer predisposition syndrome. Identifiers: Orphanet 71290, MedGen CN281654, MONDO:0011071.

Submissions (2):

ClinGen Myeloid Malignancy Variant Curation Expert Panel
Classification: Likely benign for Hereditary thrombocytopenia and hematologic cancer predisposition syndrome. Last evaluated: 2024-09-05. Review status: reviewed by expert panel. Criteria: ClinGen MyeloMalig ACMG Specifications v2. Collection method: curation. Allele origin: germline. Inheritance: Autosomal dominant inheritance.
Comment: NM_001754.5(RUNX1):c.1053C>A (p.Gly351=) is a synonymous variant which has a SpliceAI score ≤ 0.20 (0.0) (BP4). This variant has a SpliceAI score ≤ 0.20 (0.0) and evolutionary conservation algorithms predict the site as not being conserved (PhyloP score ≤ 2.0 (0.0)) (BP7). This variant is completely absent from all population databases with at least 20x coverage for RUNX1 (PM2_Supporting). In summary, this variant meets criteria to be classified as likely benign. ACMG/AMP criteria applied, as specified by the Myeloid Malignancy Variant Curation Expert Panel for RUNX1: BP4, BP7, PM2_supporting.

Labcorp Genetics (formerly Invitae), Labcorp
Classification: Likely benign for Hereditary thrombocytopenia and hematological cancer predisposition syndrome associated with RUNX1. Last evaluated: 2018-11-21. Review status: criteria provided, single submitter. Criteria: Invitae Variant Classification Sherloc (09022015). Collection method: clinical testing. Allele origin: germline. Not counted in ClinVar's aggregate classification.

NM_001754.5(RUNX1):c.1053C>A (p.Gly351=)

Gene: RUNX1 (RUNX family transcription factor 1; minus strand). Cytogenetic location: 21q22.12.
Variant type: single nucleotide variant.
Coding change: c.1053C>A on transcript NM_001754.5 (MANE Select); coding-DNA position 1053, C replaced by A.
Protein change: p.Gly351=; no amino-acid change (glycine 351 retained).
Molecular consequence: synonymous variant.
Genome position (GRCh38, 1-based): chr21:34,792,525, G>T on the plus strand (C>A on the coding strand, the complement: RUNX1 is on the minus strand). VCF-style: chr21-34792525-G-T. GRCh37 (hg19) VCF-style: chr21-36164822-G-T.
Other names: NM_001754.5(RUNX1):c.1053C>A; p.Gly351=; c.972C>A, p.Gly324= (NM_001001890.3).
Identifiers: ClinVar variation 795822 (VCV000795822.11), dbSNP rs1601333548, ClinGen allele CA512341345.